The following is an entry in ClinVar:

NM_001378120.1(MBD5):c.3935_3936delinsTT (p.Gly1312Val)

Gene: MBD5 (methyl-CpG binding domain protein 5; plus strand). Cytogenetic location: 2q23.1.
Variant type: Indel.
Coding change: c.3935_3936delinsTT on transcript NM_001378120.1 (MANE Select); coding-DNA positions 3935 to 3936, GC replaced by TT.
Protein change: p.Gly1312Val; replaces glycine 1312 with valine.
Molecular consequence: missense variant.
Genome position (GRCh38, 1-based): chr2:148,489,567-148,489,568, GC replaced by TT. VCF-style: chr2-148489567-GC-TT. GRCh37 (hg19) VCF-style: chr2-149247136-GC-TT.
Other names: c.3236_3237delinsTT, p.Gly1079Val (NM_018328.5); short protein forms G1312V, G1079V.
Identifiers: ClinVar variation 2857064 (VCV002857064.3), dbSNP rs2470021143, ClinGen allele CA2739271215.

ClinVar aggregate classification (germline): Uncertain significance (1 of 4 stars; one submission).

Conditions:
Intellectual developmental disorder, autosomal dominant 1. Also called: MBD5 Haploinsufficiency; Intellectual disability, autosomal dominant 1. Identifiers: Orphanet 228402, MedGen C1969562, MONDO:0007974, OMIM 156200.

Submission:

Labcorp Genetics (formerly Invitae), Labcorp
Classification: Uncertain significance for Intellectual developmental disorder, autosomal dominant 1. Last evaluated: 2023-04-17. Review status: criteria provided, single submitter. Criteria: Invitae Variant Classification Sherloc (09022015). Collection method: clinical testing. Allele origin: germline.
Comment: This sequence change replaces glycine, which is neutral and non-polar, with valine, which is neutral and non-polar, at codon 1079 of the MBD5 protein (p.Gly1079Val). Information on the frequency of this variant in the gnomAD database is not available, as this variant may be reported differently in the database. This variant has not been reported in the literature in individuals affected with MBD5-related conditions. Experimental studies and prediction algorithms are not available or were not evaluated, and the functional significance of this variant is currently unknown. In summary, the available evidence is currently insufficient to determine the role of this variant in disease. Therefore, it has been classified as a Variant of Uncertain Significance.